The following is an entry in ClinVar:

ClinVar aggregate classification (germline): Uncertain significance. Review status: criteria provided, multiple submitters, no conflicts (2 of 4 stars). 2 submissions from 2 submitters: Uncertain significance (2). Last evaluated 2025-03-13.

Conditions:
Hereditary cancer-predisposing syndrome. Also called: Neoplastic Syndromes, Hereditary; Tumor predisposition; Hereditary neoplastic syndrome; Hereditary Cancer Syndrome. Identifiers: Orphanet 140162, MedGen C0027672, MeSH D009386, MONDO:0015356.
POLD1-related polyposis and colorectal cancer syndrome (CRCS10). Also called: COLORECTAL CANCER, SUSCEPTIBILITY TO, ON CHROMOSOME 19q; Colorectal cancer 10; Colorectal cancer, susceptibility to, 10. Identifiers: Orphanet 220460, MedGen C2675481, MONDO:0012953, OMIM 612591.

Allele frequency attached by ClinVar (database versions not stated): gnomAD exomes below 0.00001.
gnomAD v4.1: 1 of 1,614,058 alleles (0.000062%); highest among the groups gnomAD compares: Non-Finnish European, 0.000085%; no homozygotes.

Submissions (2):

Ambry Genetics
Classification: Uncertain significance for Hereditary cancer-predisposing syndrome. Last evaluated: 2025-03-13. Review status: criteria provided, single submitter. Criteria: Ambry Variant Classification Scheme 2023. Collection method: clinical testing. Allele origin: germline.
Comment: The p.P608L variant (also known as c.1823C>T), located in coding exon 14 of the POLD1 gene, results from a C to T substitution at nucleotide position 1823. The proline at codon 608 is replaced by leucine, an amino acid with similar properties. This amino acid position is highly conserved in available vertebrate species. In addition, this alteration is predicted to be deleterious by in silico analysis. Based on the available evidence, the clinical significance of this variant remains unclear.

Labcorp Genetics (formerly Invitae), Labcorp
Classification: Uncertain significance for POLD1-related polyposis and colorectal cancer syndrome. Last evaluated: 2022-10-04. Review status: criteria provided, single submitter. Criteria: Invitae Variant Classification Sherloc (09022015). Collection method: clinical testing. Allele origin: germline.
Comment: In summary, the available evidence is currently insufficient to determine the role of this variant in disease. Therefore, it has been classified as a Variant of Uncertain Significance. Advanced modeling of protein sequence and biophysical properties (such as structural, functional, and spatial information, amino acid conservation, physicochemical variation, residue mobility, and thermodynamic stability) performed at Invitae indicates that this missense variant is expected to disrupt POLD1 protein function. This variant has not been reported in the literature in individuals affected with POLD1-related conditions. This variant is not present in population databases (gnomAD no frequency). This sequence change replaces proline, which is neutral and non-polar, with leucine, which is neutral and non-polar, at codon 608 of the POLD1 protein (p.Pro608Leu).

NM_002691.4(POLD1):c.1823C>T (p.Pro608Leu)

Gene: POLD1 (DNA polymerase delta 1, catalytic subunit; plus strand). Cytogenetic location: 19q13.33.
Variant type: single nucleotide variant.
Coding change: c.1823C>T on transcript NM_002691.4 (MANE Select); coding-DNA position 1823, C replaced by T.
Protein change: p.Pro608Leu; replaces proline 608 with leucine.
Molecular consequence: missense variant. On other transcripts: non-coding transcript variant (1).
Genome position (GRCh38, 1-based): chr19:50,408,832, C>T. VCF-style: chr19-50408832-C-T. GRCh37 (hg19) VCF-style: chr19-50912089-C-T.
Other names: c.1823C>T, p.Pro608Leu (NM_001256849.1); c.1901C>T, p.Pro634Leu (NM_001308632.1); c.1823C>T (NM_002691.2); short protein forms P608L, P634L.
Identifiers: ClinVar variation 1720951 (VCV001720951.6), dbSNP rs2122367696, ClinGen allele CA406982025.